The following is an entry in ClinVar:

ClinVar aggregate classification (germline): Likely benign. Review status: criteria provided, multiple submitters, no conflicts (2 of 4 stars). 2 submissions from 2 submitters: Likely benign (2). Last evaluated 2025-07-29.

Allele frequency attached by ClinVar (database versions not stated): gnomAD 0.00006 and 0.00008; gnomAD exomes 0.00014 and 0.00008; ExAC 0.00006; TOPMed 0.00014.
gnomAD v4.1: 130 of 1,537,044 alleles (0.0085%); highest among the groups gnomAD compares: Middle Eastern, 0.1%; no homozygotes.

Submissions (2):

Mayo Clinic Laboratories, Mayo Clinic
Classification: Likely benign. Last evaluated: 2025-07-29. Review status: criteria provided, single submitter. Criteria: ACMG Guidelines, 2015. Collection method: clinical testing. Allele origin: germline. Observed: 1 variant allele.
Comment: BP4, BP7

Labcorp Genetics (formerly Invitae), Labcorp
Classification: Likely benign. Last evaluated: 2018-10-09. Review status: criteria provided, single submitter. Criteria: Invitae Variant Classification Sherloc (09022015). Collection method: clinical testing. Allele origin: germline.

NM_001256071.3(RNF213):c.3438A>G (p.Glu1146=)

Gene: RNF213 (ring finger protein 213; plus strand). Cytogenetic location: 17q25.3.
Variant type: single nucleotide variant.
Coding change: c.3438A>G on transcript NM_001256071.3 (MANE Select); coding-DNA position 3438, A replaced by G.
Protein change: p.Glu1146=; no amino-acid change (glutamic acid 1146 retained).
Molecular consequence: synonymous variant.
Genome position (GRCh38, 1-based): chr17:80,328,398, A>G. VCF-style: chr17-80328398-A-G. GRCh37 (hg19) VCF-style: chr17-78302198-A-G.
Other names: p.Glu1146=.
Identifiers: ClinVar variation 745136 (VCV000745136.4), dbSNP rs777039786, ClinGen allele CA8820178.